The following is an entry in ClinVar:

NM_000313.4(PROS1):c.1030A>G (p.Ile344Val)

Gene: PROS1 (protein S; minus strand). Cytogenetic location: 3q11.1.
Variant type: single nucleotide variant.
Coding change: c.1030A>G on transcript NM_000313.4 (MANE Select); coding-DNA position 1030, A replaced by G.
Protein change: p.Ile344Val; replaces isoleucine 344 with valine.
Molecular consequence: missense variant.
Genome position (GRCh38, 1-based): chr3:93,893,058, T>C on the plus strand (A>G on the coding strand, the complement: PROS1 is on the minus strand). VCF-style: chr3-93893058-T-C. GRCh37 (hg19) VCF-style: chr3-93611902-T-C.
Other names: c.1126A>G, p.Ile376Val (NM_001314077.2); short protein forms I344V, I376V.
Identifiers: ClinVar variation 2635067 (VCV002635067.1), dbSNP rs773309134, ClinGen allele CA353672349.

ClinVar aggregate classification (germline): Uncertain significance (1 of 4 stars; one submission).

Conditions:
PROS1-related disorder. Also called: PROS1-related condition.

Allele frequency attached by ClinVar (database versions not stated): TOPMed 0.00002; gnomAD 0.00003.
gnomAD v4.1: 21 of 1,613,966 alleles (0.0013%); highest among the groups gnomAD compares: Non-Finnish European, 0.0016%; no homozygotes.

Submission:

PreventionGenetics, part of Exact Sciences
Classification: Uncertain significance for PROS1-related condition. Last evaluated: 2023-01-13. Review status: criteria provided, single submitter. Criteria: ACMG Guidelines, 2015. Collection method: clinical testing. Allele origin: germline.
Comment: The PROS1 c.1030A>G variant is predicted to result in the amino acid substitution p.Ile344Val. To our knowledge, this variant has not been reported in the literature. This variant is reported in 0.00088% of alleles in individuals of European (Non-Finnish) descent in gnomAD. At this time, the clinical significance of this variant is uncertain due to the absence of conclusive functional and genetic evidence.